The following is an entry in ClinVar:

ClinVar aggregate classification (germline): Uncertain significance (1 of 4 stars; one submission).

Allele frequency attached by ClinVar (database versions not stated): gnomAD 0.00007; gnomAD exomes 0.00008 and 0.00011; TOPMed 0.00008; ExAC 0.00009.
gnomAD v4.1: 170 of 1,613,652 alleles (0.011%); highest among the groups gnomAD compares: Admixed American, 0.013%; no homozygotes.

Submission:

Labcorp Genetics (formerly Invitae), Labcorp
Classification: Uncertain significance. Last evaluated: 2021-12-02. Review status: criteria provided, single submitter. Criteria: Invitae Variant Classification Sherloc (09022015). Collection method: clinical testing. Allele origin: germline.
Comment: In summary, the available evidence is currently insufficient to determine the role of this variant in disease. Therefore, it has been classified as a Variant of Uncertain Significance. Algorithms developed to predict the effect of missense changes on protein structure and function output the following: SIFT: "Tolerated"; PolyPhen-2: "Benign"; Align-GVGD: "Class C0". The valine amino acid residue is found in multiple mammalian species, which suggests that this missense change does not adversely affect protein function. This missense change has been observed in individual(s) with SLC20A2-related conditions (PMID: 31785789). This variant is present in population databases (rs200267443, gnomAD 0.01%). This sequence change replaces alanine, which is neutral and non-polar, with valine, which is neutral and non-polar, at codon 303 of the SLC20A2 protein (p.Ala303Val).

Literature cited by the submitters: PubMed 31785789.

NM_001257180.2(SLC20A2):c.908C>T (p.Ala303Val)

Gene: SLC20A2 (solute carrier family 20 member 2; minus strand). Cytogenetic location: 8p11.21.
Variant type: single nucleotide variant.
Coding change: c.908C>T on transcript NM_001257180.2 (MANE Select); coding-DNA position 908, C replaced by T.
Protein change: p.Ala303Val; replaces alanine 303 with valine.
Molecular consequence: missense variant.
Genome position (GRCh38, 1-based): chr8:42,439,476, G>A on the plus strand (C>T on the coding strand, the complement: SLC20A2 is on the minus strand). VCF-style: chr8-42439476-G-A. GRCh37 (hg19) VCF-style: chr8-42296994-G-A.
Other names: c.908C>T, p.Ala303Val (NM_001257181.2, NM_006749.5); short protein forms A303V.
Identifiers: ClinVar variation 1355512 (VCV001355512.6), dbSNP rs200267443, ClinGen allele CA4733437.